The following is an entry in ClinVar:

ClinVar aggregate classification (germline): Uncertain significance (1 of 4 stars; one submission).

Allele frequency attached by ClinVar (database versions not stated): ExAC 0.00019.
gnomAD v4.1: 66 of 700,232 alleles (0.0094%); highest among the groups gnomAD compares: South Asian, 0.028%; no homozygotes.

Submission:

Labcorp Genetics (formerly Invitae), Labcorp
Classification: Uncertain significance. Last evaluated: 2026-01-26. Review status: criteria provided, single submitter. Criteria: Invitae Variant Classification Sherloc (09022015). Collection method: clinical testing. Allele origin: germline.
Comment: This variant occurs in the RNU4ATAC gene, which encodes an RNA molecule that does not result in a protein product. This variant is present in population databases (rs774196943, gnomAD 0.03%). This variant has not been reported in the literature in individuals affected with RNU4ATAC-related conditions. ClinVar contains an entry for this variant (Variation ID: 1414328). Experimental studies and prediction algorithms are not available or were not evaluated, and the functional significance of this variant is currently unknown. In summary, the available evidence is currently insufficient to determine the role of this variant in disease. Therefore, it has been classified as a Variant of Uncertain Significance.

NC_000002.12:g.121530974G>A

Genes: CLASP1 (cytoplasmic linker associated protein 1; minus strand), CLASP1-AS1 (CLASP1 antisense RNA 1; plus strand), RNU4ATAC (RNA, U4atac small nuclear; plus strand). Cytogenetic location: 2q14.2.
Variant type: single nucleotide variant.
Molecular consequence: intron variant (on NM_001395891.1).
Genome position: GRCh38 VCF-style: chr2-121530974-G-A. GRCh37 (hg19) VCF-style: chr2-122288550-G-A.
Other names: c.196-649C>T (NM_001142274.2, NM_015282.3, NM_001378003.1 and 5 more transcripts).
Identifiers: ClinVar variation 1414328 (VCV001414328.4), dbSNP rs774196943, ClinGen allele CA1854733.